The following is an entry in ClinVar:

NM_153710.5(STKLD1):c.585C>T (p.Asp195=)

Gene: STKLD1 (serine/threonine kinase like domain containing 1; plus strand). Cytogenetic location: 9q34.2.
Variant type: single nucleotide variant.
Coding change: c.585C>T on transcript NM_153710.5 (MANE Select); coding-DNA position 585, C replaced by T.
Protein change: p.Asp195=; no amino-acid change (aspartic acid 195 retained).
Molecular consequence: synonymous variant. On other transcripts: non-coding transcript variant (1).
Genome position (GRCh38, 1-based): chr9:133,394,292, C>T. VCF-style: chr9-133394292-C-T. GRCh37 (hg19) VCF-style: chr9-136259419-C-T.
Identifiers: ClinVar variation 3048919 (VCV003048919.2), dbSNP rs200576190, ClinGen allele CA200862610.

ClinVar aggregate classification (germline): Likely benign (0 of 4 stars; one submission).

Conditions:
STKLD1-related disorder. Also called: STKLD1-related condition.

Allele frequency attached by ClinVar (database versions not stated): ESP Exome Variant Server 0.00023; gnomAD 0.00030; TOPMed 0.00032; ExAC 0.00040.
gnomAD v4.1: 770 of 1,609,058 alleles (0.048%); highest among the groups gnomAD compares: Non-Finnish European, 0.06%; no homozygotes.

Submission:

PreventionGenetics, part of Exact Sciences
Classification: Likely benign for STKLD1-related condition. Last evaluated: 2021-11-05. Review status: no assertion criteria provided. Collection method: clinical testing. Allele origin: germline.
Comment: This variant is classified as likely benign based on ACMG/AMP sequence variant interpretation guidelines (Richards et al. 2015 PMID: 25741868, with internal and published modifications).